The following is an entry in ClinVar:

ClinVar aggregate classification (germline): Benign (1 of 4 stars; one submission).

Allele frequency attached by ClinVar (database versions not stated): gnomAD exomes 0.33306; TOPMed 0.34033; gnomAD 0.34296; 1000 Genomes Project 30x 0.36524; 1000 Genomes Project 0.36861.
gnomAD v4.1: 250,353 of 747,106 alleles (34%); highest among the groups gnomAD compares: Middle Eastern, 39%; 42,243 homozygotes.

Submission:

Unidad de Genómica Garrahan, Hospital de Pediatría Garrahan
Classification: Benign. Last evaluated: 2024-01-24. Review status: criteria provided, single submitter. Criteria: ACMG Guidelines, 2015. Collection method: clinical testing. Allele origin: germline. Affected: no. Observed: 33 variant alleles.
Comment: This variant is classified as Benign based on local population frequency. This variant was detected in 35% of patients studied by a panel of primary immunodeficiencies. Number of patients: 33. Only high quality variants are reported.

NM_002198.3(IRF1):c.187+99T>C

Gene: IRF1 (interferon regulatory factor 1; minus strand). Cytogenetic location: 5q31.1.
Variant type: single nucleotide variant.
Coding change: c.187+99T>C on transcript NM_002198.3 (MANE Select); 99 bases into the intron after coding-DNA position 187, T replaced by C.
Molecular consequence: intron variant.
Genome position (GRCh38, 1-based): chr5:132,487,827, A>G on the plus strand (T>C on the coding strand, the complement: IRF1 is on the minus strand). VCF-style: chr5-132487827-A-G. GRCh37 (hg19) VCF-style: chr5-131823519-A-G.
Other names: c.187+99T>C (NM_001354924.1, NM_001354925.1).
Identifiers: ClinVar variation 2688210 (VCV002688210.2), dbSNP rs13170412, ClinGen allele CA12148028.
Genomic context (GRCh38, chr5:132,487,827, plus strand): 5'-TTCTCCAGAAACACAAGTCTGCCACCAGCCCCTCTTCCCAGTAATTCTGCATGTTGTCTC[A>G]GGGAGCTCAGGGACCCCAGTGAAGAGCCTCTGTGTTAACGTGAGTGCCTCCTCTTGTCTC-3'